The following is an entry in ClinVar:

ClinVar aggregate classification (germline): Uncertain significance (1 of 4 stars; one submission).

Submission:

Labcorp Genetics (formerly Invitae), Labcorp
Classification: Uncertain significance. Last evaluated: 2022-06-30. Review status: criteria provided, single submitter. Criteria: Invitae Variant Classification Sherloc (09022015). Collection method: clinical testing. Allele origin: germline.
Comment: In summary, the available evidence is currently insufficient to determine the role of this variant in disease. Therefore, it has been classified as a Variant of Uncertain Significance. Algorithms developed to predict the effect of missense changes on protein structure and function (SIFT, PolyPhen-2, Align-GVGD) all suggest that this variant is likely to be tolerated. This variant has not been reported in the literature in individuals affected with PCNT-related conditions. This variant is not present in population databases (gnomAD no frequency). This sequence change replaces proline, which is neutral and non-polar, with alanine, which is neutral and non-polar, at codon 3332 of the PCNT protein (p.Pro3332Ala).

NM_006031.6(PCNT):c.9994C>G (p.Pro3332Ala)

Gene: PCNT (pericentrin; plus strand). Cytogenetic location: 21q22.3.
Variant type: single nucleotide variant.
Coding change: c.9994C>G on transcript NM_006031.6 (MANE Select); coding-DNA position 9994, C replaced by G.
Protein change: p.Pro3332Ala; replaces proline 3332 with alanine.
Molecular consequence: missense variant.
Genome position (GRCh38, 1-based): chr21:46,445,310, C>G. VCF-style: chr21-46445310-C-G. GRCh37 (hg19) VCF-style: chr21-47865223-C-G.
Other names: c.9403C>G, p.Pro3135Ala (NM_001315529.2); short protein forms P3332A, P3135A.
Identifiers: ClinVar variation 1941353 (VCV001941353.5), dbSNP rs762040824, ClinGen allele CA410580569.